The following is an entry in ClinVar:

ClinVar aggregate classification (germline): Uncertain significance (1 of 4 stars; one submission).

Conditions:
Wiskott-Aldrich syndrome 2 (WAS2). Also called: WIPF1 DEFICIENCY. Identifiers: Orphanet 906, MedGen C3281001, MONDO:0013779, OMIM 614493.

Submission:

Labcorp Genetics (formerly Invitae), Labcorp
Classification: Uncertain significance for Wiskott-Aldrich syndrome 2. Last evaluated: 2019-04-18. Review status: criteria provided, single submitter. Criteria: Invitae Variant Classification Sherloc (09022015). Collection method: clinical testing. Allele origin: germline.
Comment: This sequence change replaces proline with arginine at codon 7 of the WIPF1 protein (p.Pro7Arg). The proline residue is highly conserved and there is a moderate physicochemical difference between proline and arginine. This variant is not present in population databases (ExAC no frequency). This variant has not been reported in the literature in individuals with WIPF1-related conditions. Algorithms developed to predict the effect of missense changes on protein structure and function are either unavailable or do not agree on the potential impact of this missense change (SIFT: "Deleterious"; PolyPhen-2: "Probably damaging"; Align-GVGD: "Class C0"). Algorithms developed to predict the effect of sequence changes on RNA splicing suggest that this variant may create or strengthen a splice site, but this prediction has not been confirmed by published transcriptional studies. In summary, the available evidence is currently insufficient to determine the role of this variant in disease. Therefore, it has been classified as a Variant of Uncertain Significance.

NM_001375834.1(WIPF1):c.19_20delinsAG (p.Pro7Arg)

Genes: WIPF1 (WAS/WASL interacting protein family member 1; minus strand), WIPF1-AS1 (WIPF1 and CHRNA1 antisense RNA 1; plus strand). Cytogenetic location: 2q31.1.
Variant type: Indel.
Coding change: c.19_20delinsAG on transcript NM_001375834.1 (MANE Select); coding-DNA positions 19 to 20, CC replaced by AG.
Protein change: p.Pro7Arg; replaces proline 7 with arginine.
Molecular consequence: missense variant.
Genome position (GRCh38, 1-based): chr2:174,585,554-174,585,555, GG replaced by CT on the plus strand (CC replaced by AG on the coding strand, the reverse complement: WIPF1 is on the minus strand). VCF-style: chr2-174585554-GG-CT. GRCh37 (hg19) VCF-style: chr2-175450282-GG-CT.
Other names: c.19_20delinsAG, p.Pro7Arg (NM_001077269.1, NM_001375832.1, NM_001375833.1 and 6 more transcripts); short protein forms P7R.
Identifiers: ClinVar variation 949586 (VCV000949586.8), dbSNP rs1685388514, ClinGen allele CA1139657365.
Genomic context (GRCh38, chr2:174,585,554, plus strand): 5'-TAGAAAGTGTTTGGGGAGGAGACACTCACCAGTGCAAACGTCGGGGGCGGCGGGGGTGCT[GG>CT]AGGGGGAGGGACAGGCATCTTGGGCAGTTATGCGTTCAACAGTCTTGCTGATAAATCTGG-3'
Protein context (NP_001362763.1, residues 1-17): MPVPPP[Pro7Arg]APPPPPTFAL